The following is an entry in ClinVar:

NM_032242.4(PLXNA1):c.3759G>A (p.Gly1253=)

Gene: PLXNA1 (plexin A1; plus strand). Cytogenetic location: 3q21.3.
Variant type: single nucleotide variant.
Coding change: c.3759G>A on transcript NM_032242.4 (MANE Select); coding-DNA position 3759, G replaced by A.
Protein change: p.Gly1253=; no amino-acid change (glycine 1253 retained).
Molecular consequence: synonymous variant.
Genome position (GRCh38, 1-based): chr3:127,018,392, G>A. VCF-style: chr3-127018392-G-A. GRCh37 (hg19) VCF-style: chr3-126737235-G-A.
Identifiers: ClinVar variation 717200 (VCV000717200.9), dbSNP rs138074920, ClinGen allele CA2594135.

ClinVar aggregate classification (germline): Benign. Review status: criteria provided, single submitter (1 of 4 stars). 2 submissions from 2 submitters: Benign (1). 1 of the submissions does not count toward it. Last evaluated 2025-06-12.

Conditions:
PLXNA1-related disorder. Also called: PLXNA1-related condition.

Allele frequency attached by ClinVar (database versions not stated): gnomAD exomes 0.00008 and 0.00022; ExAC 0.00029; gnomAD 0.00094 and 0.00096; ESP Exome Variant Server 0.00100; TOPMed 0.00100; 1000 Genomes Project 0.00160; 1000 Genomes Project 30x 0.00172.
gnomAD v4.1: 264 of 1,613,042 alleles (0.016%); highest among the groups gnomAD compares: African/African-American, 0.33%; 2 homozygotes.

Submissions (2):

Labcorp Genetics (formerly Invitae), Labcorp
Classification: Benign. Last evaluated: 2025-06-12. Review status: criteria provided, single submitter. Criteria: Invitae Variant Classification Sherloc (09022015). Collection method: clinical testing. Allele origin: germline.

PreventionGenetics, part of Exact Sciences
Classification: Likely benign for PLXNA1-related condition. Last evaluated: 2019-06-03. Review status: no assertion criteria provided. Collection method: clinical testing. Allele origin: germline. Not counted in ClinVar's aggregate classification.
Comment: This variant is classified as likely benign based on ACMG/AMP sequence variant interpretation guidelines (Richards et al. 2015 PMID: 25741868, with internal and published modifications).